The following is an entry in ClinVar:

ClinVar aggregate classification (germline): Uncertain significance. Review status: criteria provided, multiple submitters, no conflicts (2 of 4 stars). 2 submissions from 2 submitters: Uncertain significance (2). Last evaluated 2021-10-15.

Conditions:
Benign familial hematuria. Also called: thin basement membrane disease. Identifiers: MedGen C0241908, MONDO:0957317.

Allele frequency attached by ClinVar (database versions not stated): gnomAD exomes below 0.00001.
gnomAD v4.1: 1 of 1,614,064 alleles (0.000062%); highest among the groups gnomAD compares: Non-Finnish European, 0.000085%; no homozygotes.

Submissions (2):

Blueprint Genetics
Classification: Uncertain significance. Last evaluated: 2021-10-15. Review status: criteria provided, single submitter. Criteria: ACMG Guidelines, 2015. Collection method: clinical testing. Allele origin: germline.

Laboratory of Medical Genetics, National & Kapodistrian University of Athens
Classification: Uncertain significance for Hematuria, benign familial, 1. Last evaluated: 2021-10-06. Review status: criteria provided, single submitter. Criteria: ACMG Guidelines, 2015. Collection method: clinical testing. Allele origin: paternal.
Comment: PM2, PP2, PP3

NM_000092.5(COL4A4):c.3349C>A (p.Pro1117Thr)

Gene: COL4A4 (collagen type IV alpha 4 chain; minus strand). Cytogenetic location: 2q36.3.
Variant type: single nucleotide variant.
Coding change: c.3349C>A on transcript NM_000092.5 (MANE Select); coding-DNA position 3349, C replaced by A.
Protein change: p.Pro1117Thr; replaces proline 1117 with threonine.
Molecular consequence: missense variant.
Genome position (GRCh38, 1-based): chr2:227,043,125, G>T on the plus strand (C>A on the coding strand, the complement: COL4A4 is on the minus strand). VCF-style: chr2-227043125-G-T. GRCh37 (hg19) VCF-style: chr2-227907841-G-T.
Other names: short protein forms P1117T.
Identifiers: ClinVar variation 1299598 (VCV001299598.2), dbSNP rs1971792084, ClinGen allele CA350838478.
Genomic context (GRCh38, chr2:227,043,125, plus strand): 5'-CTTTCAAGGTACCTGGGCACCCTGGTGGTCCAGAGGAGCCAGGTGGCCCTGGCCTTCCAG[G>T]TGATCCTCTGGGCCCTTGAATACCAGGCAAGCCCTGCTCTCCGGATGCTCCAAAATGCCC-3'
Protein context (NP_000083.3, residues 1107-1127): LPGIQGPRGS[Pro1117Thr]GRPGPPGSSG